The following is an entry in ClinVar:

NM_001845.6(COL4A1):c.1110C>T (p.Pro370=)

Gene: COL4A1 (collagen type IV alpha 1 chain; minus strand). Cytogenetic location: 13q34.
Variant type: single nucleotide variant.
Coding change: c.1110C>T on transcript NM_001845.6 (MANE Select); coding-DNA position 1110, C replaced by T.
Protein change: p.Pro370=; no amino-acid change (proline 370 retained).
Molecular consequence: synonymous variant.
Genome position (GRCh38, 1-based): chr13:110,200,864, G>A on the plus strand (C>T on the coding strand, the complement: COL4A1 is on the minus strand). VCF-style: chr13-110200864-G-A. GRCh37 (hg19) VCF-style: chr13-110853211-G-A.
Other names: c.1110C>T, p.Pro370= (NM_001303110.2).
Identifiers: ClinVar variation 760949 (VCV000760949.15), dbSNP rs368143409, ClinGen allele CA7048052.
Genomic context (GRCh38, chr13:110,200,864, plus strand): 5'-GCACAGAAGGTGTGCAAGTATGCTATAACAAATCAGTTAAGGAGTCTCACCTGGAGGTCC[G>A]GGTTGGCCTGGTAGTCCTGGGAAACCTGAAAAGAGAAAGAGAGTGTTGGATCAAACAGAA-3'
Protein context (NP_001836.3, residues 360-380): PKGFPGLPGQ[Pro370=]GPPGLPVPGQ

ClinVar aggregate classification (germline): Likely benign. Review status: criteria provided, multiple submitters, no conflicts (2 of 4 stars). 4 submissions from 3 submitters: Likely benign (4). Last evaluated 2025-06-04.

Conditions:
Brain small vessel disease 1 with or without ocular anomalies (BSVD1). Also called: PORENCEPHALY, TYPE 1, AUTOSOMAL DOMINANT; BRAIN SMALL VESSEL DISEASE WITH HEMORRHAGE; GOULD SYNDROME 1; Brain small vessel disease with or without ocular anomalies. Identifiers: Orphanet 2940, Orphanet 36383, Orphanet 99810, MedGen C4755307, MONDO:0008289, OMIM 175780.
Autosomal dominant familial hematuria-retinal arteriolar tortuosity-contractures syndrome. Also called: Hereditary Angiopathy with Nephropathy, Aneurysms, and Muscle Cramps (HANAC) Syndrome; Angiopathy, hereditary, with nephropathy, aneurysms, and muscle cramps. Identifiers: Orphanet 73229, MedGen C2673195, MONDO:0012726, OMIM 611773.

Allele frequency attached by ClinVar (database versions not stated): gnomAD 0.00003 and 0.00004; gnomAD exomes 0.00004; ExAC 0.00007; TOPMed 0.00009; ESP Exome Variant Server 0.00023.
gnomAD v4.1: 31 of 1,614,016 alleles (0.0019%); highest among the groups gnomAD compares: Middle Eastern, 0.066%; no homozygotes.

Submissions (4):

Labcorp Genetics (formerly Invitae), Labcorp
Classification: Likely benign. Last evaluated: 2025-06-04. Review status: criteria provided, single submitter. Criteria: Invitae Variant Classification Sherloc (09022015). Collection method: clinical testing. Allele origin: germline.

Blueprint Genetics
Classification: Likely benign. Last evaluated: 2020-09-24. Review status: criteria provided, single submitter. Criteria: ACMG Guidelines, 2015. Collection method: clinical testing. Allele origin: germline.

Illumina Laboratory Services, Illumina
Classification: Likely benign for Autosomal dominant familial hematuria-retinal arteriolar tortuosity-contractures syndrome. Last evaluated: 2018-01-12. Review status: criteria provided, single submitter. Criteria: ICSL Variant Classification Criteria 13 December 2019. Collection method: clinical testing. Allele origin: germline.
Comment: This variant was observed in the ICSL laboratory as part of a predisposition screen in an ostensibly healthy population. It had not been previously curated by ICSL or reported in the Human Gene Mutation Database (HGMD: prior to June 1st, 2018), and was therefore a candidate for classification through an automated scoring system. Utilizing variant allele frequency, disease prevalence and penetrance estimates, and inheritance mode, an automated score was calculated to assess if this variant is too frequent to cause the disease. Based on the score and internal cut-off values, a variant classified as likely benign is not then subjected to further curation. The score for this variant resulted in a classification of likely benign for this disease.

Illumina Laboratory Services, Illumina
Classification: Likely benign for Brain small vessel disease 1 with or without ocular anomalies. Last evaluated: 2018-01-12. Review status: criteria provided, single submitter. Criteria: ICSL Variant Classification Criteria 13 December 2019. Collection method: clinical testing. Allele origin: germline.
Comment: the same text as in the submission from Illumina Laboratory Services, Illumina above.